The following is an entry in ClinVar:

ClinVar aggregate classification (germline): Pathogenic (1 of 4 stars; one submission).

Conditions:
Hereditary spastic paraplegia 11. Also called: Spastic Paraplegia 11; Spastic paraplegia, mental retardation and thin corpus callosum; Nakamura Osame syndrome; Autosomal recessive hereditary spastic paraplegia, mental impairment, and thin corpus callosum; SPASTIC PARAPLEGIA, AUTOSOMAL RECESSIVE, COMPLICATED, WITH THIN CORPUS CALLOSUM; SPASTIC PARAPLEGIA, AUTOSOMAL RECESSIVE, WITH MENTAL IMPAIRMENT AND THIN CORPUS CALLOSUM. Identifiers: Orphanet 2822, MedGen C1858479, MONDO:0011445, OMIM 604360.

Allele frequency attached by ClinVar (database versions not stated): gnomAD exomes below 0.00001; ExAC 0.00001; gnomAD 0.00001; TOPMed 0.00003; ESP Exome Variant Server 0.00008.
gnomAD v4.1: 2 of 1,614,080 alleles (0.00012%); highest among the groups gnomAD compares: African/African-American, 0.0027%; no homozygotes.

Submission:

Labcorp Genetics (formerly Invitae), Labcorp
Classification: Pathogenic for Hereditary spastic paraplegia 11. Last evaluated: 2025-10-28. Review status: criteria provided, single submitter. Criteria: Invitae Variant Classification Sherloc (09022015). Collection method: clinical testing. Allele origin: germline.
Comment: This sequence change creates a premature translational stop signal (p.Gln2263*) in the SPG11 gene. It is expected to result in an absent or disrupted protein product. Loss-of-function variants in SPG11 are known to be pathogenic (PMID: 19105190, 20110243, 22154821, 26556829). This variant is present in population databases (rs370259531, gnomAD 0.007%). This premature translational stop signal has been observed in individual(s) with hereditary spastic paraplegia (PMID: 27071356). ClinVar contains an entry for this variant (Variation ID: 2955856). For these reasons, this variant has been classified as Pathogenic.

Literature cited by the submitters: PubMed 19105190; PubMed 20110243; PubMed 22154821; PubMed 26556829; PubMed 27071356.

NM_025137.4(SPG11):c.6787C>T (p.Gln2263Ter)

Gene: SPG11 (SPG11 vesicle trafficking associated, spatacsin; minus strand). Cytogenetic location: 15q21.1.
Variant type: single nucleotide variant.
Coding change: c.6787C>T on transcript NM_025137.4 (MANE Select); coding-DNA position 6787, C replaced by T.
Protein change: p.Gln2263Ter; replaces glutamine 2263 with a stop codon.
Molecular consequence: nonsense.
Genome position (GRCh38, 1-based): chr15:44,566,273, G>A on the plus strand (C>T on the coding strand, the complement: SPG11 is on the minus strand). VCF-style: chr15-44566273-G-A. GRCh37 (hg19) VCF-style: chr15-44858471-G-A.
Other names: c.6643C>T, p.Gln2215Ter (NM_001411132.1); c.6448C>T, p.Gln2150Ter (NM_001160227.2); short protein forms Q2150*, Q2215*, Q2263*.
Identifiers: ClinVar variation 2955856 (VCV002955856.3), dbSNP rs370259531, ClinGen allele CA7534001.